The following is an entry in ClinVar:

NM_000138.5(FBN1):c.590G>C (p.Gly197Ala)

Gene: FBN1 (fibrillin 1; minus strand). Cytogenetic location: 15q21.1.
Variant type: single nucleotide variant.
Coding change: c.590G>C on transcript NM_000138.5 (MANE Select); coding-DNA position 590, G replaced by C.
Protein change: p.Gly197Ala; replaces glycine 197 with alanine.
Molecular consequence: missense variant.
Genome position (GRCh38, 1-based): chr15:48,537,757, C>G on the plus strand (G>C on the coding strand, the complement: FBN1 is on the minus strand). VCF-style: chr15-48537757-C-G. GRCh37 (hg19) VCF-style: chr15-48829954-C-G.
Other names: c.590G>C, p.Gly197Ala (NM_001406716.1, NM_001406717.1); short protein forms G197A.
Identifiers: ClinVar variation 5021576 (VCV005021576.1).

ClinVar aggregate classification (germline): Uncertain significance (1 of 4 stars; one submission).

Conditions:
Familial thoracic aortic aneurysm and aortic dissection (TAAD). Also called: Thoracic aortic aneurysms and dissections. Identifiers: Orphanet 91387, MedGen C4707243, MONDO:0019625.

Submission:

Ambry Genetics
Classification: Uncertain significance for Familial thoracic aortic aneurysm and aortic dissection. Last evaluated: 2026-07-01. Review status: criteria provided, single submitter. Criteria: Ambry Variant Classification Scheme 2023. Collection method: clinical testing. Allele origin: germline.
Comment: The p.G197A variant (also known as c.590G>C), located in coding exon 6 of the FBN1 gene, results from a G to C substitution at nucleotide position 590. The glycine at codon 197 is replaced by alanine, an amino acid with similar properties. This amino acid position is conserved. In addition, the in silico prediction for this alteration is inconclusive. Based on the available evidence, the clinical significance of this variant remains unclear.